The following is an entry in ClinVar:

NM_002397.5(MEF2C):c.258+5G>C

Gene: MEF2C (myocyte enhancer factor 2C; minus strand). Cytogenetic location: 5q14.3.
Variant type: single nucleotide variant.
Coding change: c.258+5G>C on transcript NM_002397.5 (MANE Select); 5 bases into the intron after coding-DNA position 258, G replaced by C.
Molecular consequence: intron variant.
Genome position (GRCh38, 1-based): chr5:88,804,593, C>G on the plus strand (G>C on the coding strand, the complement: MEF2C is on the minus strand). VCF-style: chr5-88804593-C-G. GRCh37 (hg19) VCF-style: chr5-88100410-C-G.
Other names: c.258+5G>C (NM_001364329.2, NM_001364330.2, NM_001364333.2 and 29 more transcripts).
Identifiers: ClinVar variation 1320147 (VCV001320147.1), dbSNP rs2153073717, ClinGen allele CA2573052541.

ClinVar aggregate classification (germline): Likely pathogenic (1 of 4 stars; one submission).

Conditions:
Neurodevelopmental disorder with hypotonia, stereotypic hand movements, and impaired language. Also called: Intellectual disability, autosomal dominant 20. Identifiers: Orphanet 228384, Orphanet 664410, MedGen C3150700, MONDO:0013266, OMIM 613443.

Submission:

3billion
Classification: Likely pathogenic for Neurodevelopmental disorder with hypotonia, stereotypic hand movements, and impaired language. Last evaluated: 2021-10-02. Review status: criteria provided, single submitter. Criteria: ACMG Guidelines, 2015. Collection method: clinical testing. Allele origin: germline. Affected: yes. Observed: 1 heterozygote.
Comment: The variant was observed as assumed (i.e. paternity and maternity not confirmed) de novoo (3billion dataset, PM6). It is not observed in the gnomAD v2.1.1 dataset (PM2). In silico tools predict the variant to alter splicing and produce an abnormal transcript (RF:0.81; ADA:0.99, Splice AI: 0.89, PP3 ). Therefore, this variant is classified as likely pathogenic according to the recommendation of ACMG/AMP guideline.